The following is an entry in ClinVar:

ClinVar aggregate classification (germline): Likely benign. Review status: criteria provided, multiple submitters, no conflicts (2 of 4 stars). 2 submissions from 2 submitters: Likely benign (2). Last evaluated 2025-12-28.

Conditions:
Neurodevelopmental disorder with or without hyperkinetic movements and seizures, autosomal dominant. Also called: Intellectual disability, autosomal dominant 8. Identifiers: MedGen C3280282, MONDO:0013655, OMIM 614254.

Allele frequency attached by ClinVar (database versions not stated): gnomAD 0.00001; TOPMed 0.00001.
gnomAD v4.1: 5 of 1,544,360 alleles (0.00032%); highest among the groups gnomAD compares: Admixed American, 0.0019%; no homozygotes.

Submissions (2):

Labcorp Genetics (formerly Invitae), Labcorp
Classification: Likely benign for Neurodevelopmental disorder with or without hyperkinetic movements and seizures, autosomal dominant. Last evaluated: 2025-12-28. Review status: criteria provided, single submitter. Criteria: Invitae Variant Classification Sherloc (09022015). Collection method: clinical testing. Allele origin: germline.

CeGaT Center for Human Genetics Tuebingen
Classification: Likely benign. Last evaluated: 2025-05-01. Review status: criteria provided, single submitter. Criteria: CeGaT Center For Human Genetics Tuebingen Variant Classification Criteria Version 2. Collection method: clinical testing. Allele origin: germline. Affected: yes. Observed: 1 variant allele.
Comment: GRIN1: BP4, BP7

NM_007327.4(GRIN1):c.1650G>T (p.Thr550=)

Gene: GRIN1 (glutamate ionotropic receptor NMDA type subunit 1; plus strand). Cytogenetic location: 9q34.3.
Variant type: single nucleotide variant.
Coding change: c.1650G>T on transcript NM_007327.4 (MANE Select); coding-DNA position 1650, G replaced by T.
Protein change: p.Thr550=; no amino-acid change (threonine 550 retained).
Molecular consequence: synonymous variant.
Genome position (GRCh38, 1-based): chr9:137,162,189, G>T. VCF-style: chr9-137162189-G-T. GRCh37 (hg19) VCF-style: chr9-140056641-G-T.
Other names: c.1650G>T, p.Thr550= (NM_000832.7, NM_021569.4); c.1713G>T, p.Thr571= (NM_001185090.2, NM_001185091.2).
Identifiers: ClinVar variation 1113392 (VCV001113392.19), dbSNP rs1588731007, ClinGen allele CA467777313.